The following is an entry in ClinVar:

ClinVar aggregate classification (germline): Likely benign (1 of 4 stars; one submission).

Conditions:
SCAPER-related disorder. Also called: SCAPER-related condition.

Submission:

PreventionGenetics, part of Exact Sciences
Classification: Likely benign for SCAPER-related condition. Last evaluated: 2026-06-30. Review status: criteria provided, single submitter. Criteria: ACMG Guidelines, 2015. Collection method: clinical testing. Allele origin: germline.
Comment: This variant is classified as likely benign based on ACMG/AMP sequence variant interpretation guidelines (Richards et al. 2015 PMID: 25741868, with internal and published modifications).

NM_020843.4(SCAPER):c.2165+8del

Gene: SCAPER (S-phase cyclin A associated protein in the ER; minus strand). Cytogenetic location: 15q24.3.
Variant type: Deletion.
Coding change: c.2165+8del on transcript NM_020843.4 (MANE Select); 8 bases into the intron after coding-DNA position 2165, one base deleted (A; older notation c.2165+8delA).
Molecular consequence: intron variant.
Genome position (GRCh38, 1-based): chr15:76,728,587, T deleted on the plus strand (A on the coding strand, the reverse complement: SCAPER is on the minus strand). VCF-style (leftmost placement, unchanged base first): chr15-76728586-AT-A. GRCh37 (hg19) VCF-style: chr15-77020927-AT-A.
Other names: c.1781+8del (NM_001353011.2); c.1763+8del (NM_001353012.2, NM_001353010.2); c.2183+8del (NM_001353009.2); c.1427+8del (NM_001145923.2).
Identifiers: ClinVar variation 4984674 (VCV004984674.1).